The following is an entry in ClinVar:

ClinVar aggregate classification (germline): Uncertain significance (1 of 4 stars; one submission).

Allele frequency attached by ClinVar (database versions not stated): gnomAD exomes below 0.00001; TOPMed below 0.00001; ExAC 0.00001.
gnomAD v4.1: 2 of 1,614,170 alleles (0.00012%); highest among the groups gnomAD compares: Admixed American, 0.0033%; no homozygotes.

Submission:

Labcorp Genetics (formerly Invitae), Labcorp
Classification: Uncertain significance. Last evaluated: 2021-12-15. Review status: criteria provided, single submitter. Criteria: Invitae Variant Classification Sherloc (09022015). Collection method: clinical testing. Allele origin: germline.
Comment: In summary, the available evidence is currently insufficient to determine the role of this variant in disease. Therefore, it has been classified as a Variant of Uncertain Significance. Algorithms developed to predict the effect of missense changes on protein structure and function output the following: SIFT: "Tolerated"; PolyPhen-2: "Benign"; Align-GVGD: "Class C0". The leucine amino acid residue is found in multiple mammalian species, which suggests that this missense change does not adversely affect protein function. This variant has not been reported in the literature in individuals affected with DZIP1L-related conditions. This variant is present in population databases (rs777593285, gnomAD 0.003%). This sequence change replaces isoleucine, which is neutral and non-polar, with leucine, which is neutral and non-polar, at codon 472 of the DZIP1L protein (p.Ile472Leu).

NM_173543.3(DZIP1L):c.1414A>T (p.Ile472Leu)

Gene: DZIP1L (DAZ interacting zinc finger protein 1 like; minus strand). Cytogenetic location: 3q22.3.
Variant type: single nucleotide variant.
Coding change: c.1414A>T on transcript NM_173543.3 (MANE Select); coding-DNA position 1414, A replaced by T.
Protein change: p.Ile472Leu; replaces isoleucine 472 with leucine.
Molecular consequence: missense variant.
Genome position (GRCh38, 1-based): chr3:138,077,507, T>A on the plus strand (A>T on the coding strand, the complement: DZIP1L is on the minus strand). VCF-style: chr3-138077507-T-A. GRCh37 (hg19) VCF-style: chr3-137796349-T-A.
Other names: c.1414A>T, p.Ile472Leu (NM_001170538.1); short protein forms I472L.
Identifiers: ClinVar variation 2043532 (VCV002043532.4), dbSNP rs777593285, ClinGen allele CA2634928.